The following is an entry in ClinVar:

NM_002181.4(IHH):c.910G>A (p.Val304Met)

Gene: IHH (Indian hedgehog signaling molecule; minus strand). Cytogenetic location: 2q35.
Variant type: single nucleotide variant.
Coding change: c.910G>A on transcript NM_002181.4 (MANE Select); coding-DNA position 910, G replaced by A.
Protein change: p.Val304Met; replaces valine 304 with methionine.
Molecular consequence: missense variant.
Genome position (GRCh38, 1-based): chr2:219,055,533, C>T on the plus strand (G>A on the coding strand, the complement: IHH is on the minus strand). VCF-style: chr2-219055533-C-T. GRCh37 (hg19) VCF-style: chr2-219920255-C-T.
Other names: short protein forms V304M.
Identifiers: ClinVar variation 1014812 (VCV001014812.8), dbSNP rs752484924, ClinGen allele CA350631242.

ClinVar aggregate classification (germline): Uncertain significance (1 of 4 stars; one submission).

Submission:

Labcorp Genetics (formerly Invitae), Labcorp
Classification: Uncertain significance. Last evaluated: 2024-07-01. Review status: criteria provided, single submitter. Criteria: Invitae Variant Classification Sherloc (09022015). Collection method: clinical testing. Allele origin: germline.
Comment: This sequence change replaces valine, which is neutral and non-polar, with methionine, which is neutral and non-polar, at codon 304 of the IHH protein (p.Val304Met). This variant is present in population databases (no rsID available, gnomAD 0.0009%). This variant has not been reported in the literature in individuals affected with IHH-related conditions. ClinVar contains an entry for this variant (Variation ID: 1014812). Advanced modeling of protein sequence and biophysical properties (such as structural, functional, and spatial information, amino acid conservation, physicochemical variation, residue mobility, and thermodynamic stability) has been performed at Invitae for this missense variant, however the output from this modeling did not meet the statistical confidence thresholds required to predict the impact of this variant on IHH protein function. In summary, the available evidence is currently insufficient to determine the role of this variant in disease. Therefore, it has been classified as a Variant of Uncertain Significance.